The following is an entry in ClinVar:

NM_001042492.3(NF1):c.4775T>C (p.Ile1592Thr)

Gene: NF1 (neurofibromin 1; plus strand). Cytogenetic location: 17q11.2.
Variant type: single nucleotide variant.
Coding change: c.4775T>C on transcript NM_001042492.3 (MANE Select); coding-DNA position 4775, T replaced by C.
Protein change: p.Ile1592Thr; replaces isoleucine 1592 with threonine.
Molecular consequence: missense variant.
Genome position (GRCh38, 1-based): chr17:31,265,279, T>C. VCF-style: chr17-31265279-T-C. GRCh37 (hg19) VCF-style: chr17-29592297-T-C.
Other names: c.4712T>C, p.Ile1571Thr (NM_000267.4); short protein forms I1571T, I1592T.
Identifiers: ClinVar variation 1012106 (VCV001012106.5), dbSNP rs765799937, ClinGen allele CA8486474.

ClinVar aggregate classification (germline): Uncertain significance (1 of 4 stars; one submission).

Conditions:
Neurofibromatosis, type 1 (NF1). Also called: VON RECKLINGHAUSEN DISEASE; Neurofibromatosis, type I; NEUROFIBROMATOSIS, TYPE I, SOMATIC; Peripheral type neurofibromatosis. Identifiers: Orphanet 636, MedGen C0027831, MONDO:0018975, OMIM 162200. Disease mechanism: loss of function.

Allele frequency attached by ClinVar (database versions not stated): gnomAD exomes below 0.00001; ExAC 0.00001.

Submission:

Labcorp Genetics (formerly Invitae), Labcorp
Classification: Uncertain significance for Neurofibromatosis, type 1. Last evaluated: 2024-08-26. Review status: criteria provided, single submitter. Criteria: Invitae Variant Classification Sherloc (09022015). Collection method: clinical testing. Allele origin: germline.
Comment: This sequence change replaces isoleucine, which is neutral and non-polar, with threonine, which is neutral and polar, at codon 1571 of the NF1 protein (p.Ile1571Thr). This variant is not present in population databases (gnomAD no frequency). This variant has not been reported in the literature in individuals affected with NF1-related conditions. ClinVar contains an entry for this variant (Variation ID: 1012106). Invitae Evidence Modeling of protein sequence and biophysical properties (such as structural, functional, and spatial information, amino acid conservation, physicochemical variation, residue mobility, and thermodynamic stability) indicates that this missense variant is expected to disrupt NF1 protein function with a positive predictive value of 95%. In summary, the available evidence is currently insufficient to determine the role of this variant in disease. Therefore, it has been classified as a Variant of Uncertain Significance.